The following is an entry in ClinVar:

ClinVar aggregate classification (germline): Pathogenic. Review status: criteria provided, multiple submitters, no conflicts (2 of 4 stars). 3 submissions from 3 submitters: Pathogenic (3). Last evaluated 2025-12-01.

Conditions:
Gaucher disease. Also called: Acute cerebral Gaucher disease; Cerebroside lipidosis syndrome; Gaucher splenomegaly; Sphingolipidosis 1; Glucocerebrosidosis; Glucosylceramidase deficiency. Identifiers: Orphanet 355, MedGen C0017205, MONDO:0018150.
GBA1-related disorder. Also called: GBA1-related condition.

Allele frequency attached by ClinVar (database versions not stated): gnomAD exomes below 0.00001; TOPMed below 0.00001.
gnomAD v4.1: 6 of 1,614,226 alleles (0.00037%); highest among the groups gnomAD compares: Non-Finnish European, 0.00042%; no homozygotes.

Submissions (3):

Natera, Inc.
Classification: Pathogenic for Gaucher disease. Last evaluated: 2025-12-01. Review status: criteria provided, single submitter. Criteria: Natera Variant Classification Schema (03/2026). Collection method: clinical testing. Allele origin: germline.
Comment: The c.1259G>A variant in GBA1 is a nonsense variant predicted to introduce a stop codon at amino acid 420. This variant is expected to result in nonsense mediated decay, truncation, or a dysfunctional protein product. This variant is rare in the general population with a frequency below the threshold expected for the associated phenotype(s). This variant has been observed in one or more individuals affected with the associated recessive disease, as either homozygous or compound heterozygous with a second variant (PMID: 14509164). Given the available evidence, this variant is classified as Pathogenic.

PreventionGenetics, part of Exact Sciences
Classification: Pathogenic for GBA1-related condition. Last evaluated: 2025-03-25. Review status: criteria provided, single submitter. Criteria: ACMG Guidelines, 2015. Collection method: clinical testing. Allele origin: germline.
Comment: The GBA1 c.1259G>A variant is predicted to result in premature protein termination (p.Trp420*). This variant was reported in individuals with autosomal recessive Gaucher disease (Kim et al. 2020. PubMed ID: 33176831; Hruska et al. 2008. PubMed ID: 18338393). This variant has not been reported in a large population database (gnomAD), indicating this variant is rare. Nonsense variants in GBA1 are expected to be pathogenic. This variant is interpreted as pathogenic.

Women's Health and Genetics/Laboratory Corporation of America, LabCorp
Classification: Pathogenic for Gaucher disease. Last evaluated: 2021-05-10. Review status: criteria provided, single submitter. Criteria: LabCorp Variant Classification Summary - May 2015. Collection method: clinical testing. Allele origin: germline.
Comment: Variant summary: GBA c.1259G>A (p.Trp420X) results in a premature termination codon, predicted to cause a truncation of the encoded protein or absence of the protein due to nonsense mediated decay, which are commonly known mechanisms for disease. Truncations downstream of this position have been classified as pathogenic by our laboratory. The variant was absent in 251484 control chromosomes. c.1259G>A has been reported in the literature in individuals affected with Gaucher Disease (example, Germain_2001, Jmoudiak_2003, Bukina_2008, Mi Kim_2020). These data indicate that the variant is likely to be associated with disease. To our knowledge, no experimental evidence demonstrating an impact on protein function has been reported. No other clinical diagnostic laboratories have submitted clinical-significance assessments for this variant to ClinVar after 2014. Based on the evidence outlined above, the variant was classified as pathogenic.

Literature cited by the submitters: PubMed 14509164 (cited by Natera, Inc. and Women's Health and Genetics/Laboratory Corporation of America, LabCorp); PubMed 18338393 (cited by Women's Health and Genetics/Laboratory Corporation of America, LabCorp); PubMed 11600137 (cited by Women's Health and Genetics/Laboratory Corporation of America, LabCorp); PubMed 12667990 (cited by Women's Health and Genetics/Laboratory Corporation of America, LabCorp); PubMed 18078074 (cited by Women's Health and Genetics/Laboratory Corporation of America, LabCorp); PubMed 33176831 (cited by Women's Health and Genetics/Laboratory Corporation of America, LabCorp).

NM_000157.4(GBA1):c.1259G>A (p.Trp420Ter)

Genes: GBA1 (glucosylceramidase beta 1; minus strand), LOC106627981 (GBA recombination region; plus strand). Cytogenetic location: 1q22.
Variant type: single nucleotide variant.
Coding change: c.1259G>A on transcript NM_000157.4 (MANE Select); coding-DNA position 1259, G replaced by A.
Protein change: p.Trp420Ter; replaces tryptophan 420 with a stop codon.
Molecular consequence: nonsense.
Genome position (GRCh38, 1-based): chr1:155,235,810, C>T on the plus strand (G>A on the coding strand, the complement: GBA1 is on the minus strand). VCF-style: chr1-155235810-C-T. GRCh37 (hg19) VCF-style: chr1-155205601-C-T.
Other names: c.1259G>A (NM_000157.3); c.1259G>A, p.Trp420Ter (NM_001005741.3, NM_001005742.3); c.998G>A, p.Trp333Ter (NM_001171811.2); c.1112G>A, p.Trp371Ter (NM_001171812.2); short protein forms W333*, W371*, W420*.
Identifiers: ClinVar variation 918141 (VCV000918141.5), dbSNP rs1671711470, ClinGen allele CA342713817.
Genomic context (GRCh38, chr1:155,235,810, plus strand): 5'-GGACTGTCGACAAAGTTACGCACCCAATTGGGTCCTCCTTCGGGGTTCAGGGCAAGGTTC[C>T]AGTCGGTCCAGCCGACCACATGGTACAGGAGGTTCTAGGGTAAGGACAAAGGCAAAGAGA-3'